The following is an entry in ClinVar:

NM_033109.5(PNPT1):c.1785A>C (p.Lys595Asn)

Gene: PNPT1 (polyribonucleotide nucleotidyltransferase 1; minus strand). Cytogenetic location: 2p16.1.
Variant type: single nucleotide variant.
Coding change: c.1785A>C on transcript NM_033109.5 (MANE Select); coding-DNA position 1785, A replaced by C.
Protein change: p.Lys595Asn; replaces lysine 595 with asparagine.
Molecular consequence: missense variant.
Genome position (GRCh38, 1-based): chr2:55,645,386, T>G on the plus strand (A>C on the coding strand, the complement: PNPT1 is on the minus strand). VCF-style: chr2-55645386-T-G. GRCh37 (hg19) VCF-style: chr2-55872521-T-G.
Other names: short protein forms K595N.
Identifiers: ClinVar variation 1399729 (VCV001399729.4), dbSNP rs368876074, ClinGen allele CA1667940.

ClinVar aggregate classification (germline): Uncertain significance. Review status: criteria provided, multiple submitters, no conflicts (2 of 4 stars). 2 submissions from 2 submitters: Uncertain significance (2). Last evaluated 2022-10-31.

Allele frequency attached by ClinVar (database versions not stated): gnomAD exomes below 0.00001; ExAC 0.00001; gnomAD 0.00001; TOPMed 0.00001; ESP Exome Variant Server 0.00008.
gnomAD v4.1: 6 of 1,612,456 alleles (0.00037%); highest among the groups gnomAD compares: Non-Finnish European, 0.00051%; no homozygotes.

Submissions (2):

Blueprint Genetics
Classification: Uncertain significance. Last evaluated: 2022-10-31. Review status: criteria provided, single submitter. Criteria: ACMG Guidelines, 2015. Collection method: clinical testing. Allele origin: germline.

Labcorp Genetics (formerly Invitae), Labcorp
Classification: Uncertain significance. Last evaluated: 2022-08-31. Review status: criteria provided, single submitter. Criteria: Invitae Variant Classification Sherloc (09022015). Collection method: clinical testing. Allele origin: germline.
Comment: This sequence change replaces lysine, which is basic and polar, with asparagine, which is neutral and polar, at codon 595 of the PNPT1 protein (p.Lys595Asn). This variant is present in population databases (rs368876074, gnomAD 0.0009%). This variant has not been reported in the literature in individuals affected with PNPT1-related conditions. ClinVar contains an entry for this variant (Variation ID: 1399729). Advanced modeling of protein sequence and biophysical properties (such as structural, functional, and spatial information, amino acid conservation, physicochemical variation, residue mobility, and thermodynamic stability) performed at Invitae indicates that this missense variant is not expected to disrupt PNPT1 protein function. In summary, the available evidence is currently insufficient to determine the role of this variant in disease. Therefore, it has been classified as a Variant of Uncertain Significance.